The following is an entry in ClinVar:

ClinVar aggregate classification (germline): Pathogenic (1 of 4 stars; one submission).

gnomAD v4.1: 2 of 1,578,714 alleles (0.00013%); highest among the groups gnomAD compares: Non-Finnish European, 0.00017%; no homozygotes.

Submission:

Labcorp Genetics (formerly Invitae), Labcorp
Classification: Pathogenic. Last evaluated: 2022-01-16. Review status: criteria provided, single submitter. Criteria: Invitae Variant Classification Sherloc (09022015). Collection method: clinical testing. Allele origin: germline.
Comment: This variant has not been reported in the literature in individuals affected with CDH23-related conditions. For these reasons, this variant has been classified as Pathogenic. This variant is not present in population databases (gnomAD no frequency). This sequence change creates a premature translational stop signal (p.Tyr2702*) in the CDH23 gene. It is expected to result in an absent or disrupted protein product. Loss-of-function variants in CDH23 are known to be pathogenic (PMID: 11138009, 21940737).

Literature cited by the submitters: PubMed 11138009; PubMed 21940737.

NM_022124.6(CDH23):c.8106C>A (p.Tyr2702Ter)

Gene: CDH23 (cadherin related 23; plus strand). Cytogenetic location: 10q22.1.
Variant type: single nucleotide variant.
Coding change: c.8106C>A on transcript NM_022124.6 (MANE Select); coding-DNA position 8106, C replaced by A.
Protein change: p.Tyr2702Ter; replaces tyrosine 2702 with a stop codon.
Molecular consequence: nonsense.
Genome position (GRCh38, 1-based): chr10:71,806,209, C>A. VCF-style: chr10-71806209-C-A. GRCh37 (hg19) VCF-style: chr10-73565966-C-A.
Other names: c.1386C>A, p.Tyr462Ter (NM_001171933.1, NM_001171934.1); short protein forms Y2702*, Y462*.
Identifiers: ClinVar variation 2084807 (VCV002084807.4), dbSNP rs558564568, ClinGen allele CA377162363.